The following is an entry in ClinVar:

ClinVar aggregate classification (germline): Likely pathogenic (1 of 4 stars; one submission).

Conditions:
Autosomal recessive nonsyndromic hearing loss 12. Also called: DEAFNESS, AUTOSOMAL RECESSIVE 12. Identifiers: Orphanet 90636, MedGen C1832394, MONDO:0011067, OMIM 601386.

Submission:

Institute of Rare Diseases, West China Hospital, Sichuan University
Classification: Likely pathogenic for Autosomal recessive nonsyndromic hearing loss 12. Last evaluated: 2025-01-09. Review status: criteria provided, single submitter. Criteria: ClinGen HL ACMG Specifications v1. Collection method: research. Allele origin: germline. Affected: yes.
Comment: PVS1;PM2_Supporting

NM_022124.6(CDH23):c.665del (p.Leu222fs)

Gene: CDH23 (cadherin related 23; plus strand). Cytogenetic location: 10q22.1.
Variant type: Deletion.
Coding change: c.665del on transcript NM_022124.6 (MANE Select); coding-DNA position 665, one base deleted (T; older notation c.665delT).
Protein change: p.Leu222fs; shifts the reading frame from leucine 222.
Molecular consequence: frameshift variant.
Genome position (GRCh38, 1-based): chr10:71,570,830, T deleted; the last of 2 consecutive T bases (chr10:71,570,829-71,570,830); deleting either gives the same sequence. VCF-style (leftmost placement, unchanged base first): chr10-71570828-CT-C. GRCh37 (hg19) VCF-style: chr10-73330585-CT-C.
Other names: c.665del, p.Leu222fs (NM_001171930.2, NM_001171931.2, NM_001171932.2 and 1 more transcripts); short protein forms L222fs.
Identifiers: ClinVar variation 3601523 (VCV003601523.1).